The following is an entry in ClinVar:

ClinVar aggregate classification (germline): Uncertain significance. Review status: criteria provided, multiple submitters, no conflicts (2 of 4 stars). 2 submissions from 2 submitters: Uncertain significance (2). Last evaluated 2025-12-22.

Conditions:
Inborn genetic diseases. Identifiers: MedGen C0950123, MeSH D030342.

Allele frequency attached by ClinVar (database versions not stated): gnomAD exomes 0.00001; TOPMed 0.00001; gnomAD 0.00003.
gnomAD v4.1: 12 of 1,613,562 alleles (0.00074%); highest among the groups gnomAD compares: African/African-American, 0.0013%; no homozygotes.

Submissions (2):

Ambry Genetics
Classification: Uncertain significance for Inborn genetic diseases. Last evaluated: 2025-12-22. Review status: criteria provided, single submitter. Criteria: Ambry Variant Classification Scheme 2023. Collection method: clinical testing. Allele origin: germline.

Labcorp Genetics (formerly Invitae), Labcorp
Classification: Uncertain significance. Last evaluated: 2022-12-05. Review status: criteria provided, single submitter. Criteria: Invitae Variant Classification Sherloc (09022015). Collection method: clinical testing. Allele origin: germline.
Comment: Algorithms developed to predict the effect of missense changes on protein structure and function are either unavailable or do not agree on the potential impact of this missense change (SIFT: "Not Available"; PolyPhen-2: "Possibly Damaging"; Align-GVGD: "Not Available"). This sequence change replaces valine, which is neutral and non-polar, with alanine, which is neutral and non-polar, at codon 632 of the SEC24D protein (p.Val632Ala). This variant is present in population databases (no rsID available, gnomAD 0.007%). This variant has not been reported in the literature in individuals affected with SEC24D-related conditions. In summary, the available evidence is currently insufficient to determine the role of this variant in disease. Therefore, it has been classified as a Variant of Uncertain Significance.

NM_014822.4(SEC24D):c.1895T>C (p.Val632Ala)

Gene: SEC24D (SEC24 homolog D, COPII component; minus strand). Cytogenetic location: 4q26.
Variant type: single nucleotide variant.
Coding change: c.1895T>C on transcript NM_014822.4 (MANE Select); coding-DNA position 1895, T replaced by C.
Protein change: p.Val632Ala; replaces valine 632 with alanine.
Molecular consequence: missense variant.
Genome position (GRCh38, 1-based): chr4:118,744,088, A>G on the plus strand (T>C on the coding strand, the complement: SEC24D is on the minus strand). VCF-style: chr4-118744088-A-G. GRCh37 (hg19) VCF-style: chr4-119665243-A-G.
Other names: c.1895T>C (NM_014822.2); c.1898T>C, p.Val633Ala (NM_001318066.2); short protein forms V632A, V633A.
Identifiers: ClinVar variation 2416208 (VCV002416208.7), dbSNP rs1025941859, ClinGen allele CA104651787.